The following is an entry in ClinVar:

GRCh38/hg38 Xp22.33(chrX:997890-1259698)x3

Gene: CRLF2 (cytokine receptor like factor 2; minus strand). Cytogenetic location: Xp22.33.
Variant type: copy number gain.
Change: copy number 3 of chrX:997,890-1,259,698 (261.8 kb, GRCh38 coordinates, 1-based), cytogenetic band Xp22.33.
Identifiers: ClinVar variation 151815 (VCV000151815.3).

ClinVar aggregate classification (germline): Benign/Likely benign (0 of 4 stars; one submission).

Submission:

ISCA Site 6
Classification: Benign/Likely benign. Last evaluated: 2011-04-30. Review status: no assertion criteria provided. Collection method: clinical testing. Allele origin: unknown. Affected: yes. Observed: 2 variant alleles.
Comment: Likely benign (1), Benign (1)

Copy number variation identified through the course of routine clinical cytogenomic testing in postnatal populations, with clinical assertions as classified by the original submitter.